The following is an entry in ClinVar:

NM_001127208.3(TET2):c.1041G>A (p.Ala347=)

Genes: TET2 (tet methylcytosine dioxygenase 2; plus strand), TET2-AS1 (TET2 antisense RNA 1; minus strand). Cytogenetic location: 4q24.
Variant type: single nucleotide variant.
Coding change: c.1041G>A on transcript NM_001127208.3 (MANE Select); coding-DNA position 1041, G replaced by A.
Protein change: p.Ala347=; no amino-acid change (alanine 347 retained).
Molecular consequence: synonymous variant.
Genome position (GRCh38, 1-based): chr4:105,234,983, G>A. VCF-style: chr4-105234983-G-A. GRCh37 (hg19) VCF-style: chr4-106156140-G-A.
Other names: c.1041G>A, p.Ala347= (NM_017628.4).
Identifiers: ClinVar variation 2045553 (VCV002045553.12), dbSNP rs113631626, ClinGen allele CA3031614.

ClinVar aggregate classification (germline): Likely benign. Review status: criteria provided, multiple submitters, no conflicts (2 of 4 stars). 5 submissions from 5 submitters: Likely benign (5). Last evaluated 2026-07-05.

Conditions:
TET2-related disorder. Also called: TET2-related condition.

Allele frequency attached by ClinVar (database versions not stated): ESP Exome Variant Server 0.00023; gnomAD 0.00034.
gnomAD v4.1: 359 of 1,613,976 alleles (0.022%); highest among the groups gnomAD compares: African/African-American, 0.061%; no homozygotes.

Submissions (5):

PreventionGenetics, part of Exact Sciences
Classification: Likely benign for TET2-related condition. Last evaluated: 2026-07-05. Review status: criteria provided, single submitter. Criteria: ACMG Guidelines, 2015. Collection method: clinical testing. Allele origin: germline.
Comment: This variant is classified as likely benign based on ACMG/AMP sequence variant interpretation guidelines (Richards et al. 2015 PMID: 25741868, with internal and published modifications).

Labcorp Genetics (formerly Invitae), Labcorp
Classification: Likely benign. Last evaluated: 2026-01-21. Review status: criteria provided, single submitter. Criteria: Invitae Variant Classification Sherloc (09022015). Collection method: clinical testing. Allele origin: germline.

CeGaT Center for Human Genetics Tuebingen
Classification: Likely benign. Last evaluated: 2025-12-01. Review status: criteria provided, single submitter. Criteria: CeGaT Center For Human Genetics Tuebingen Variant Classification Criteria Version 2. Collection method: clinical testing. Allele origin: germline. Affected: yes. Observed: 1 variant allele.
Comment: TET2: BP4, BP7

Ambry Genetics
Classification: Likely benign. Last evaluated: 2024-11-17. Review status: criteria provided, single submitter. Criteria: Ambry Variant Classification Scheme 2023. Collection method: clinical testing. Allele origin: germline.

Blueprint Genetics
Classification: Likely benign. Last evaluated: 2024-02-23. Review status: criteria provided, single submitter. Criteria: ACMG Guidelines, 2015. Collection method: clinical testing. Allele origin: germline.